The following is an entry in ClinVar:

ClinVar aggregate classification (germline): Uncertain significance (1 of 4 stars; one submission).

Conditions:
Hereditary spastic paraplegia 11. Also called: Nakamura Osame syndrome; Autosomal recessive hereditary spastic paraplegia, mental impairment, and thin corpus callosum; Spastic paraplegia, mental retardation and thin corpus callosum; SPASTIC PARAPLEGIA, AUTOSOMAL RECESSIVE, COMPLICATED, WITH THIN CORPUS CALLOSUM; SPASTIC PARAPLEGIA, AUTOSOMAL RECESSIVE, WITH MENTAL IMPAIRMENT AND THIN CORPUS CALLOSUM; Spastic Paraplegia 11. Identifiers: Orphanet 2822, MedGen C1858479, MONDO:0011445, OMIM 604360.

Allele frequency attached by ClinVar (database versions not stated): ExAC 0.00001; gnomAD exomes 0.00001.
gnomAD v4.1: 5 of 1,613,940 alleles (0.00031%); highest among the groups gnomAD compares: South Asian, 0.0044%; no homozygotes.

Submission:

Labcorp Genetics (formerly Invitae), Labcorp
Classification: Uncertain significance for Hereditary spastic paraplegia 11. Last evaluated: 2021-08-31. Review status: criteria provided, single submitter. Criteria: Invitae Variant Classification Sherloc (09022015). Collection method: clinical testing. Allele origin: germline.
Comment: This sequence change replaces histidine with arginine at codon 2070 of the SPG11 protein (p.His2070Arg). The histidine residue is weakly conserved and there is a small physicochemical difference between histidine and arginine. This variant is present in population databases (rs202069061, ExAC 0.006%). This variant has not been reported in the literature in individuals affected with SPG11-related conditions. Algorithms developed to predict the effect of missense changes on protein structure and function output the following: SIFT: "Tolerated"; PolyPhen-2: "Benign"; Align-GVGD: "Class C0". The arginine amino acid residue is found in multiple mammalian species, which suggests that this missense change does not adversely affect protein function. Algorithms developed to predict the effect of sequence changes on RNA splicing suggest that this variant may create or strengthen a splice site. In summary, the available evidence is currently insufficient to determine the role of this variant in disease. Therefore, it has been classified as a Variant of Uncertain Significance.

NM_025137.4(SPG11):c.6209A>G (p.His2070Arg)

Gene: SPG11 (SPG11 vesicle trafficking associated, spatacsin; minus strand). Cytogenetic location: 15q21.1.
Variant type: single nucleotide variant.
Coding change: c.6209A>G on transcript NM_025137.4 (MANE Select); coding-DNA position 6209, A replaced by G.
Protein change: p.His2070Arg; replaces histidine 2070 with arginine.
Molecular consequence: missense variant.
Genome position (GRCh38, 1-based): chr15:44,572,817, T>C on the plus strand (A>G on the coding strand, the complement: SPG11 is on the minus strand). VCF-style: chr15-44572817-T-C. GRCh37 (hg19) VCF-style: chr15-44865015-T-C.
Other names: c.5870A>G, p.His1957Arg (NM_001160227.2); short protein forms H1957R, H2070R.
Identifiers: ClinVar variation 1062550 (VCV001062550.6), dbSNP rs202069061, ClinGen allele CA7534206.
Genomic context (GRCh38, chr15:44,572,817, plus strand): 5'-CACAGAGTGGTCAGCTGAAGAAATGTCTGGCTTTCCTCTGTTGGGTTGAACATCTGCTTA[T>C]GTCCTGTACAGAGAGGTGTGAAGACAGGTGCTGGTTTTATCTAAGAGAGGCCCACTCTGC-3'
Protein context (NP_079413.3, residues 2060-2080): ELLTSSQGTG[His2070Arg]KQMFNPTEES